The following is an entry in ClinVar:

ClinVar aggregate classification (germline): Pathogenic/Likely pathogenic. Review status: criteria provided, multiple submitters, no conflicts (2 of 4 stars). 3 submissions from 3 submitters: Pathogenic (2); Likely pathogenic (1). Last evaluated 2025-06-17.

Conditions:
Exostoses, multiple, type 1 (EXT1). Also called: Hereditary Multiple Osteochondromatosis, Type I; EXOSTOSES, MULTIPLE, TYPE I. Identifiers: MedGen CN263289, MONDO:0007585, OMIM 133700.
EXT1-related disorders.

Submissions (3):

Institute of Human Genetics, Cologne University
Classification: Pathogenic for Exostoses, multiple, type 1. Last evaluated: 2025-06-17. Review status: criteria provided, single submitter. Criteria: ACMG Guidelines, 2015. Collection method: clinical testing. Allele origin: germline. Affected: yes.

GeneDx
Classification: Pathogenic. Last evaluated: 2024-08-26. Review status: criteria provided, single submitter. Criteria: GeneDx Variant Classification Process June 2021. Collection method: clinical testing. Allele origin: germline. Affected: yes.
Comment: Nonsense variant predicted to result in protein truncation or nonsense mediated decay in a gene for which loss of function is a known mechanism of disease; Not observed at significant frequency in large population cohorts (gnomAD); Has not been previously published as pathogenic or benign to our knowledge

Blueprint Genetics
Classification: Likely pathogenic for EXT1-related disorders. Last evaluated: 2022-12-07. Review status: criteria provided, single submitter. Criteria: ACMG Guidelines, 2015. Collection method: clinical testing. Allele origin: germline. Affected: yes. Observed: 2 variant alleles.

NM_000127.3(EXT1):c.2020C>T (p.Gln674Ter)

Gene: EXT1 (exostosin glycosyltransferase 1; minus strand). Cytogenetic location: 8q24.11.
Variant type: single nucleotide variant.
Coding change: c.2020C>T on transcript NM_000127.3 (MANE Select); coding-DNA position 2020, C replaced by T.
Protein change: p.Gln674Ter; replaces glutamine 674 with a stop codon.
Molecular consequence: nonsense.
Genome position (GRCh38, 1-based): chr8:117,804,757, G>A on the plus strand (C>T on the coding strand, the complement: EXT1 is on the minus strand). VCF-style: chr8-117804757-G-A. GRCh37 (hg19) VCF-style: chr8-118816996-G-A.
Other names: short protein forms Q674*.
Identifiers: ClinVar variation 3766058 (VCV003766058.3).